The following is an entry in ClinVar:

NM_001818.5(AKR1C4):c.85-110_85-108del

Gene: AKR1C4 (aldo-keto reductase family 1 member C4; plus strand). Cytogenetic location: 10p15.1.
Variant type: Microsatellite.
Coding change: c.85-110_85-108del on transcript NM_001818.5 (MANE Select); 110 bases into the intron before coding-DNA position 85 through 108 bases into the intron before coding-DNA position 85, 3 bases deleted (AAG; older notation c.85-110_85-108delAAG).
Molecular consequence: intron variant.
Genome position (GRCh38, 1-based): chr10:5,200,071-5,200,073, AAG deleted; deleting any 3 consecutive bases within chr10:5,200,067-5,200,073 gives the same sequence; the c. name uses the placement nearest the transcript's 3' end. VCF-style (leftmost placement, unchanged base first): chr10-5200066-TGAA-T. GRCh37 (hg19) VCF-style: chr10-5242029-TGAA-T.
Identifiers: ClinVar variation 3354264 (VCV003354264.1).

ClinVar aggregate classification (germline): Likely benign (0 of 4 stars; one submission).

Conditions:
AKR1C4-related disorder. Also called: AKR1C4-related condition.

Submission:

PreventionGenetics, part of Exact Sciences
Classification: Likely benign for AKR1C4-related condition. Last evaluated: 2024-08-06. Review status: no assertion criteria provided. Collection method: clinical testing. Allele origin: germline.
Comment: This variant is classified as likely benign based on ACMG/AMP sequence variant interpretation guidelines (Richards et al. 2015 PMID: 25741868, with internal and published modifications).